The following is an entry in ClinVar:

ClinVar aggregate classification (germline): Uncertain significance (1 of 4 stars; one submission).

Conditions:
ATP8B1-related disorder. Also called: ATP8B1-related condition; ATP8B1-related disorders.

gnomAD v4.1: 1 of 1,613,934 alleles (0.000062%); highest among the groups gnomAD compares: Non-Finnish European, 0.000085%; no homozygotes.

Submission:

PreventionGenetics, part of Exact Sciences
Classification: Uncertain significance for ATP8B1-related condition. Last evaluated: 2025-09-20. Review status: criteria provided, single submitter. Criteria: ACMG Guidelines, 2015. Collection method: clinical testing. Allele origin: germline.
Comment: The ATP8B1 c.2588T>A variant is predicted to result in the amino acid substitution p.Val863Asp. To our knowledge, this variant has not been reported in the literature. This variant is reported in 0.00088% of alleles in individuals of European (Non-Finnish) descent in gnomAD. At this time, the clinical significance of this variant is uncertain due to the absence of conclusive functional and genetic evidence.

NM_001374385.1(ATP8B1):c.2588T>A (p.Val863Asp)

Genes: ATP8B1 (ATPase phospholipid transporting 8B1; minus strand), ATP8B1-AS1 (ATP8B1 antisense RNA 1; plus strand). Cytogenetic location: 18q21.31.
Variant type: single nucleotide variant.
Coding change: c.2588T>A on transcript NM_001374385.1 (MANE Select); coding-DNA position 2588, T replaced by A.
Protein change: p.Val863Asp; replaces valine 863 with aspartic acid.
Molecular consequence: missense variant.
Genome position (GRCh38, 1-based): chr18:57,661,293, A>T on the plus strand (T>A on the coding strand, the complement: ATP8B1 is on the minus strand). VCF-style: chr18-57661293-A-T. GRCh37 (hg19) VCF-style: chr18-55328525-A-T.
Other names: c.2438T>A, p.Val813Asp (NM_001374386.1); c.2588T>A, p.Val863Asp (NM_005603.6); short protein forms V813D, V863D.
Identifiers: ClinVar variation 4995555 (VCV004995555.1).
Genomic context (GRCh38, chr18:57,661,293, plus strand): 5'-TACCTCTTCACCAGGTCCACCACCATGGCCTTCTGCTTGGGGGTGACGCGGCAGCAGATG[A>T]CTGCGCTGCACTCGCAGGCCAGGTCCACAAAGTTTTTCTGCCGCTGCTCTTTCTTAGCTT-3'
Protein context (NP_001361314.1, residues 853-873): FVDLACECSA[Val863Asp]ICCRVTPKQK